The following is an entry in ClinVar:

NM_014806.5(RUSC2):c.170A>T (p.Gln57Leu)

Gene: RUSC2 (RUN and SH3 domain containing 2; plus strand). Cytogenetic location: 9p13.3.
Variant type: single nucleotide variant.
Coding change: c.170A>T on transcript NM_014806.5 (MANE Select); coding-DNA position 170, A replaced by T.
Protein change: p.Gln57Leu; replaces glutamine 57 with leucine.
Molecular consequence: missense variant. On other transcripts: non-coding transcript variant (1), intron variant (1).
Genome position (GRCh38, 1-based): chr9:35,546,691, A>T. VCF-style: chr9-35546691-A-T. GRCh37 (hg19) VCF-style: chr9-35546688-A-T.
Other names: c.170A>T, p.Gln57Leu (NM_001135999.2); c.-620-8369A>T (NM_001330740.2); short protein forms Q57L.
Identifiers: ClinVar variation 1445683 (VCV001445683.5), dbSNP rs1363750326, ClinGen allele CA373326064.

ClinVar aggregate classification (germline): Uncertain significance (1 of 4 stars; one submission).

Allele frequency attached by ClinVar (database versions not stated): gnomAD exomes below 0.00001.

Submission:

Labcorp Genetics (formerly Invitae), Labcorp
Classification: Uncertain significance. Last evaluated: 2022-06-13. Review status: criteria provided, single submitter. Criteria: Invitae Variant Classification Sherloc (09022015). Collection method: clinical testing. Allele origin: germline.
Comment: This sequence change replaces glutamine, which is neutral and polar, with leucine, which is neutral and non-polar, at codon 57 of the RUSC2 protein (p.Gln57Leu). This variant is not present in population databases (gnomAD no frequency). This variant has not been reported in the literature in individuals affected with RUSC2-related conditions. Algorithms developed to predict the effect of missense changes on protein structure and function are either unavailable or do not agree on the potential impact of this missense change (SIFT: "Deleterious"; PolyPhen-2: "Benign"; Align-GVGD: "Class C25"). In summary, the available evidence is currently insufficient to determine the role of this variant in disease. Therefore, it has been classified as a Variant of Uncertain Significance.